The following is an entry in ClinVar:

NM_015425.6(POLR1A):c.3741-3C>T

Gene: POLR1A (RNA polymerase I subunit A; minus strand). Cytogenetic location: 2p11.2.
Variant type: single nucleotide variant.
Coding change: c.3741-3C>T on transcript NM_015425.6 (MANE Select); 3 bases into the intron before coding-DNA position 3741, C replaced by T.
Molecular consequence: intron variant.
Genome position (GRCh38, 1-based): chr2:86,039,465, G>A on the plus strand (C>T on the coding strand, the complement: POLR1A is on the minus strand). VCF-style: chr2-86039465-G-A. GRCh37 (hg19) VCF-style: chr2-86266588-G-A.
Identifiers: ClinVar variation 4765897 (VCV004765897.1).

ClinVar aggregate classification (germline): Uncertain significance (1 of 4 stars; one submission).

gnomAD v4.1: 14 of 1,614,020 alleles (0.00087%); highest among the groups gnomAD compares: African/African-American, 0.0013%; no homozygotes.

Submission:

Labcorp Genetics (formerly Invitae), Labcorp
Classification: Uncertain significance. Last evaluated: 2025-03-04. Review status: criteria provided, single submitter. Criteria: Invitae Variant Classification Sherloc (09022015). Collection method: clinical testing. Allele origin: germline.
Comment: This sequence change falls in intron 25 of the POLR1A gene. It does not directly change the encoded amino acid sequence of the POLR1A protein. It affects a nucleotide within the consensus splice site. This variant is present in population databases (rs781660460, gnomAD 0.004%). This variant has not been reported in the literature in individuals affected with POLR1A-related conditions. Variants that disrupt the consensus splice site are a relatively common cause of aberrant splicing (PMID: 17576681, 9536098). Algorithms developed to predict the effect of sequence changes on RNA splicing suggest that this variant is not likely to affect RNA splicing. In summary, the available evidence is currently insufficient to determine the role of this variant in disease. Therefore, it has been classified as a Variant of Uncertain Significance.

Literature cited by the submitters: PubMed 17576681; PubMed 9536098.